The following is an entry in ClinVar:

NM_003079.5(SMARCE1):c.370A>G (p.Ile124Val)

Gene: SMARCE1 (SWI/SNF related BAF chromatin remodeling complex subunit E1; minus strand). Cytogenetic location: 17q21.2.
Variant type: single nucleotide variant.
Coding change: c.370A>G on transcript NM_003079.5 (MANE Select); coding-DNA position 370, A replaced by G.
Protein change: p.Ile124Val; replaces isoleucine 124 with valine.
Molecular consequence: missense variant.
Genome position (GRCh38, 1-based): chr17:40,636,102, T>C on the plus strand (A>G on the coding strand, the complement: SMARCE1 is on the minus strand). VCF-style: chr17-40636102-T-C. GRCh37 (hg19) VCF-style: chr17-38792354-T-C.
Other names: short protein forms I124V.
Identifiers: ClinVar variation 2916580 (VCV002916580.4), dbSNP rs2508603830, ClinGen allele CA399366814.

ClinVar aggregate classification (germline): Uncertain significance. Review status: criteria provided, multiple submitters, no conflicts (2 of 4 stars). 2 submissions from 2 submitters: Uncertain significance (2). Last evaluated 2025-08-03.

Conditions:
Hereditary cancer-predisposing syndrome. Also called: Neoplastic Syndromes, Hereditary; Tumor predisposition; Hereditary Cancer Syndrome; Hereditary neoplastic syndrome. Identifiers: Orphanet 140162, MedGen C0027672, MeSH D009386, MONDO:0015356.
Familial meningioma. Also called: Meningioma, familial, susceptibility to. Identifiers: Orphanet 263662, MedGen C3551915, MONDO:0011789, OMIM 607174.

Allele frequency attached by ClinVar (database versions not stated): gnomAD exomes below 0.00001.
gnomAD v4.1: 1 of 1,591,636 alleles (0.000063%); highest among the groups gnomAD compares: South Asian, 0.0012%; no homozygotes.

Submissions (2):

Ambry Genetics
Classification: Uncertain significance for Hereditary cancer-predisposing syndrome. Last evaluated: 2025-08-03. Review status: criteria provided, single submitter. Criteria: Ambry Variant Classification Scheme 2023. Collection method: clinical testing. Allele origin: germline.
Comment: The p.I124V variant (also known as c.370A>G) is located in coding exon 6 of the SMARCE1 gene. The isoleucine at codon 124 is replaced by valine, an amino acid with highly similar properties. This change occurs in the first base pair of coding exon 6. This amino acid position is conserved. In addition, the in silico prediction for this alteration is inconclusive. Based on the available evidence, the clinical significance of this variant remains unclear.

Labcorp Genetics (formerly Invitae), Labcorp
Classification: Uncertain significance for Familial meningioma. Last evaluated: 2023-01-14. Review status: criteria provided, single submitter. Criteria: Invitae Variant Classification Sherloc (09022015). Collection method: clinical testing. Allele origin: germline.
Comment: In summary, the available evidence is currently insufficient to determine the role of this variant in disease. Therefore, it has been classified as a Variant of Uncertain Significance. Algorithms developed to predict the effect of missense changes on protein structure and function (SIFT, PolyPhen-2, Align-GVGD) all suggest that this variant is likely to be tolerated. This variant has not been reported in the literature in individuals affected with SMARCE1-related conditions. This variant is not present in population databases (gnomAD no frequency). This sequence change replaces isoleucine, which is neutral and non-polar, with valine, which is neutral and non-polar, at codon 124 of the SMARCE1 protein (p.Ile124Val).